The following is an entry in ClinVar:

ClinVar aggregate classification (germline): Uncertain significance (1 of 4 stars; one submission).

Conditions:
Early-infantile DEE. Also called: Early infantile epileptic encephalopathy; Ohtahara syndrome; Early infantile epileptic encephalopathy with suppression bursts. Identifiers: Orphanet 1934, MedGen C0393706, MONDO:0800491.

Submission:

Labcorp Genetics (formerly Invitae), Labcorp
Classification: Uncertain significance for Early-infantile DEE. Last evaluated: 2022-09-24. Review status: criteria provided, single submitter. Criteria: Invitae Variant Classification Sherloc (09022015). Collection method: clinical testing. Allele origin: germline.
Comment: In summary, the available evidence is currently insufficient to determine the role of this variant in disease. Therefore, it has been classified as a Variant of Uncertain Significance. This sequence change replaces serine, which is neutral and polar, with threonine, which is neutral and polar, at codon 317 of the KCNH5 protein (p.Ser317Thr). This variant is not present in population databases (gnomAD no frequency). This variant has not been reported in the literature in individuals affected with KCNH5-related conditions. Advanced modeling of protein sequence and biophysical properties (such as structural, functional, and spatial information, amino acid conservation, physicochemical variation, residue mobility, and thermodynamic stability) performed at Invitae indicates that this missense variant is not expected to disrupt KCNH5 protein function.

NM_139318.5(KCNH5):c.950G>C (p.Ser317Thr)

Gene: KCNH5 (potassium voltage-gated channel subfamily H member 5; minus strand). Cytogenetic location: 14q23.2.
Variant type: single nucleotide variant.
Coding change: c.950G>C on transcript NM_139318.5 (MANE Select); coding-DNA position 950, G replaced by C.
Protein change: p.Ser317Thr; replaces serine 317 with threonine.
Molecular consequence: missense variant.
Genome position (GRCh38, 1-based): chr14:62,950,552, C>G on the plus strand (G>C on the coding strand, the complement: KCNH5 is on the minus strand). VCF-style: chr14-62950552-C-G. GRCh37 (hg19) VCF-style: chr14-63417270-C-G.
Other names: c.950G>C, p.Ser317Thr (NM_172375.3); short protein forms S317T.
Identifiers: ClinVar variation 2051876 (VCV002051876.4), dbSNP rs1889983302, ClinGen allele CA390103588.